The following is an entry in ClinVar:

ClinVar aggregate classification (germline): Pathogenic (1 of 4 stars; one submission).

Conditions:
Carnitine palmitoyltransferase II deficiency. Also called: Carnitine Palmitoyltransferase 2 Deficiency. Identifiers: Orphanet 157, MedGen C0342790, MONDO:0015515.

Submission:

Myriad Genetics, Inc.
Classification: Pathogenic for Carnitine palmitoyltransferase II deficiency. Last evaluated: 2024-04-07. Review status: criteria provided, single submitter. Criteria: Myriad Autosomal Dominant, Autosomal Recessive and X-Linked Classification Criteria (2023). Collection method: clinical testing. Allele origin: unknown.
Comment: NM_000098.2(CPT2):c.192C>G(Y64*) is expected to be pathogenic in the context of carnitine palmitoyltransferase II deficiency. This variant is predicted to lead to an abnormal or absent protein product due to the creation of a premature termination codon in CPT2, a gene where loss-of-function variants are known to be pathogenic. Please note: this variant was assessed in the context of healthy population screening.

NM_000098.3(CPT2):c.192C>G (p.Tyr64Ter)

Gene: CPT2 (carnitine palmitoyltransferase 2; plus strand). Cytogenetic location: 1p32.3.
Variant type: single nucleotide variant.
Coding change: c.192C>G on transcript NM_000098.3 (MANE Select); coding-DNA position 192, C replaced by G.
Protein change: p.Tyr64Ter; replaces tyrosine 64 with a stop codon.
Molecular consequence: nonsense.
Genome position (GRCh38, 1-based): chr1:53,200,758, C>G. VCF-style: chr1-53200758-C-G. GRCh37 (hg19) VCF-style: chr1-53666430-C-G.
Other names: c.192C>G, p.Tyr64Ter (NM_001330589.2); short protein forms Y64*.
Identifiers: ClinVar variation 5012901 (VCV005012901.1).